The following is an entry in ClinVar:

NM_152383.5(DIS3L2):c.2614G>A (p.Glu872Lys)

Gene: DIS3L2 (DIS3 like 3'-5' exoribonuclease 2; plus strand). Cytogenetic location: 2q37.1.
Variant type: single nucleotide variant.
Coding change: c.2614G>A on transcript NM_152383.5 (MANE Select); coding-DNA position 2614, G replaced by A.
Protein change: p.Glu872Lys; replaces glutamic acid 872 with lysine.
Molecular consequence: missense variant. On other transcripts: non-coding transcript variant (2), intron variant (1).
Genome position (GRCh38, 1-based): chr2:232,336,586, G>A. VCF-style: chr2-232336586-G-A. GRCh37 (hg19) VCF-style: chr2-233201296-G-A.
Other names: c.1582-6759G>A (NM_001257281.2); short protein forms E872K.
Identifiers: ClinVar variation 2119185 (VCV002119185.4), dbSNP rs773211844, ClinGen allele CA2164633.

ClinVar aggregate classification (germline): Uncertain significance (1 of 4 stars; one submission).

Conditions:
Perlman syndrome (PRLMNS). Identifiers: Orphanet 2849, MedGen C0796113, MONDO:0009965, OMIM 267000.

Allele frequency attached by ClinVar (database versions not stated): gnomAD exomes below 0.00001; ExAC 0.00001.
gnomAD v4.1: 2 of 1,608,704 alleles (0.00012%); highest among the groups gnomAD compares: South Asian, 0.0011%; no homozygotes.

Submission:

Labcorp Genetics (formerly Invitae), Labcorp
Classification: Uncertain significance for Perlman syndrome. Last evaluated: 2022-05-05. Review status: criteria provided, single submitter. Criteria: Invitae Variant Classification Sherloc (09022015). Collection method: clinical testing. Allele origin: germline.
Comment: This variant has not been reported in the literature in individuals affected with DIS3L2-related conditions. This variant is present in population databases (rs773211844, gnomAD 0.0009%). This sequence change replaces glutamic acid, which is acidic and polar, with lysine, which is basic and polar, at codon 872 of the DIS3L2 protein (p.Glu872Lys). Algorithms developed to predict the effect of missense changes on protein structure and function are either unavailable or do not agree on the potential impact of this missense change (SIFT: "Tolerated"; PolyPhen-2: "Not Available"; Align-GVGD: "Class C0"). In summary, the available evidence is currently insufficient to determine the role of this variant in disease. Therefore, it has been classified as a Variant of Uncertain Significance.